The following is an entry in ClinVar:

NM_005120.3(MED12):c.1514C>T (p.Ser505Leu)

Genes: MED12 (mediator complex subunit 12; plus strand), LOC126863275 (BRD4-independent group 4 enhancer GRCh37_chrX:70342400-70343599; plus strand). Cytogenetic location: Xq13.1.
Variant type: single nucleotide variant.
Coding change: c.1514C>T on transcript NM_005120.3 (MANE Select); coding-DNA position 1514, C replaced by T.
Protein change: p.Ser505Leu; replaces serine 505 with leucine.
Molecular consequence: missense variant.
Genome position (GRCh38, 1-based): chrX:71,123,123, C>T. VCF-style: chrX-71123123-C-T. GRCh37 (hg19) VCF-style: chrX-70342973-C-T.
Other names: short protein forms S505L.
Identifiers: ClinVar variation 3634950 (VCV003634950.2).

ClinVar aggregate classification (germline): Uncertain significance (1 of 4 stars; one submission).

Conditions:
FG syndrome (FGS). Identifiers: MedGen C0220769, MONDO:0002010.

Submission:

Labcorp Genetics (formerly Invitae), Labcorp
Classification: Uncertain significance for FG syndrome. Last evaluated: 2024-09-18. Review status: criteria provided, single submitter. Criteria: Invitae Variant Classification Sherloc (09022015). Collection method: clinical testing. Allele origin: germline.
Comment: This sequence change replaces serine, which is neutral and polar, with leucine, which is neutral and non-polar, at codon 505 of the MED12 protein (p.Ser505Leu). This variant is not present in population databases (gnomAD no frequency). This variant has not been reported in the literature in individuals affected with MED12-related conditions. Invitae Evidence Modeling of protein sequence and biophysical properties (such as structural, functional, and spatial information, amino acid conservation, physicochemical variation, residue mobility, and thermodynamic stability) indicates that this missense variant is not expected to disrupt MED12 protein function with a negative predictive value of 95%. In summary, the available evidence is currently insufficient to determine the role of this variant in disease. Therefore, it has been classified as a Variant of Uncertain Significance.